The following is an entry in ClinVar:

NM_003052.5(SLC34A1):c.1038G>A (p.Pro346=)

Gene: SLC34A1 (solute carrier family 34 member 1; plus strand). Cytogenetic location: 5q35.3.
Variant type: single nucleotide variant.
Coding change: c.1038G>A on transcript NM_003052.5 (MANE Select); coding-DNA position 1038, G replaced by A.
Protein change: p.Pro346=; no amino-acid change (proline 346 retained).
Molecular consequence: synonymous variant.
Genome position (GRCh38, 1-based): chr5:177,394,059, G>A. VCF-style: chr5-177394059-G-A. GRCh37 (hg19) VCF-style: chr5-176821060-G-A.
Identifiers: ClinVar variation 747905 (VCV000747905.12), dbSNP rs73336286, ClinGen allele CA3580626.
Genomic context (GRCh38, chr5:177,394,059, plus strand): 5'-TCAGCTGTCAGGAGCTCCACCCCCTGCAGGCAACCACATCTTTGTGGACACTGGCCTACC[G>A]GACCTGGCTGTGGGGCTCATCCTGCTGGCAGGATCCCTGGTGCTGCTGTGCACCTGCCTC-3'
Protein context (NP_003043.3, residues 336-356): CNHIFVDTGL[Pro346=]DLAVGLILLA

ClinVar aggregate classification (germline): Likely benign. Review status: criteria provided, multiple submitters, no conflicts (2 of 4 stars). 3 submissions from 3 submitters: Likely benign (2). 1 of the submissions does not count toward it. Last evaluated 2026-01-19.

Conditions:
SLC34A1-related disorder. Also called: SLC34A1-related disorders; SLC34A1-related condition.

Allele frequency attached by ClinVar (database versions not stated): 1000 Genomes Project 30x 0.00016; TOPMed 0.00010.
gnomAD v4.1: 228 of 1,614,078 alleles (0.014%); highest among the groups gnomAD compares: Admixed American, 0.027%; 1 homozygote.

Submissions (3):

Labcorp Genetics (formerly Invitae), Labcorp
Classification: Likely benign. Last evaluated: 2026-01-19. Review status: criteria provided, single submitter. Criteria: Invitae Variant Classification Sherloc (09022015). Collection method: clinical testing. Allele origin: germline.

Blueprint Genetics
Classification: Likely benign. Last evaluated: 2024-03-06. Review status: criteria provided, single submitter. Criteria: ACMG Guidelines, 2015. Collection method: clinical testing. Allele origin: germline.

PreventionGenetics, part of Exact Sciences
Classification: Likely benign for SLC34A1-related condition. Last evaluated: 2023-09-11. Review status: no assertion criteria provided. Collection method: clinical testing. Allele origin: germline. Not counted in ClinVar's aggregate classification.
Comment: This variant is classified as likely benign based on ACMG/AMP sequence variant interpretation guidelines (Richards et al. 2015 PMID: 25741868, with internal and published modifications).